The following is an entry in ClinVar:

NM_000875.5(IGF1R):c.119G>A (p.Arg40His)

Gene: IGF1R (insulin like growth factor 1 receptor; plus strand). Cytogenetic location: 15q26.3.
Variant type: single nucleotide variant.
Coding change: c.119G>A on transcript NM_000875.5 (MANE Select); coding-DNA position 119, G replaced by A.
Protein change: p.Arg40His; replaces arginine 40 with histidine.
Molecular consequence: missense variant.
Genome position (GRCh38, 1-based): chr15:98,707,586, G>A. VCF-style: chr15-98707586-G-A. GRCh37 (hg19) VCF-style: chr15-99250815-G-A.
Other names: c.119G>A, p.Arg40His (NM_001291858.2); short protein forms R40H.
Identifiers: ClinVar variation 2582306 (VCV002582306.2), dbSNP rs1409058783, ClinGen allele CA393696574.
Genomic context (GRCh38, chr15:98,707,586, plus strand): 5'-TCTAACTGAGACGTTTACCCTCTTGTCTCCCTTCAGTCTGCGGGCCAGGCATCGACATCC[G>A]CAACGACTATCAGCAGCTGAAGCGCCTGGAGAACTGCACGGTGATCGAGGGCTACCTCCA-3'
Protein context (NP_000866.1, residues 30-50): GEICGPGIDI[Arg40His]NDYQQLKRLE

ClinVar aggregate classification (germline): Conflicting classifications of pathogenicity. Review status: criteria provided, conflicting classifications (1 of 4 stars). 2 submissions from 2 submitters: Likely pathogenic (1); Uncertain significance (1). Last evaluated 2026-01-09.

Conditions:
Growth delay due to insulin-like growth factor I resistance. Also called: Somatomedin end-organ insensitivity to; Somatomedin-c resistance to; IGF-1 resistance; Insulin-Like Growth Factor I Resistance; IGF-I RESISTANCE. Identifiers: Orphanet 73273, MedGen C1849157, MONDO:0010038, OMIM 270450.

Allele frequency attached by ClinVar (database versions not stated): TOPMed below 0.00001.

Submissions (2):

Institute of Human Genetics, University of Leipzig Medical Center
Classification: Likely pathogenic for Growth delay due to insulin-like growth factor I resistance. Last evaluated: 2026-01-09. Review status: criteria provided, single submitter. Criteria: ACMG Guidelines, 2015. Collection method: clinical testing. Allele origin: paternal. Inheritance: Autosomal dominant inheritance. Affected: yes.
Comment: Criteria applied: PM2,PM5_SUP,PP2,PP3,PP4

Baylor Genetics
Classification: Uncertain significance for Growth delay due to insulin-like growth factor I resistance. Last evaluated: 2023-05-12. Review status: criteria provided, single submitter. Criteria: ACMG Guidelines, 2015. Collection method: clinical testing. Allele origin: unknown.